The following is an entry in ClinVar:

NM_001999.4(FBN2):c.8297A>T (p.Lys2766Ile)

Gene: FBN2 (fibrillin 2; minus strand). Cytogenetic location: 5q23.3.
Variant type: single nucleotide variant.
Coding change: c.8297A>T on transcript NM_001999.4 (MANE Select); coding-DNA position 8297, A replaced by T.
Protein change: p.Lys2766Ile; replaces lysine 2766 with isoleucine.
Molecular consequence: missense variant.
Genome position (GRCh38, 1-based): chr5:128,261,803, T>A on the plus strand (A>T on the coding strand, the complement: FBN2 is on the minus strand). VCF-style: chr5-128261803-T-A. GRCh37 (hg19) VCF-style: chr5-127597495-T-A.
Other names: short protein forms K2766I.
Identifiers: ClinVar variation 848291 (VCV000848291.10), dbSNP rs1764982741, ClinGen allele CA360747420.

ClinVar aggregate classification (germline): Uncertain significance (1 of 4 stars; one submission).

Conditions:
Congenital contractural arachnodactyly (CCA). Also called: BEALS SYNDROME; Beals-Hecht syndrome; Arthrogryposis, distal, type 9. Identifiers: Orphanet 115, MedGen C0220668, MONDO:0007363, OMIM 121050.

Submission:

Labcorp Genetics (formerly Invitae), Labcorp
Classification: Uncertain significance for Congenital contractural arachnodactyly. Last evaluated: 2022-06-13. Review status: criteria provided, single submitter. Criteria: Invitae Variant Classification Sherloc (09022015). Collection method: clinical testing. Allele origin: germline.
Comment: This sequence change replaces lysine, which is basic and polar, with isoleucine, which is neutral and non-polar, at codon 2766 of the FBN2 protein (p.Lys2766Ile). This variant is not present in population databases (gnomAD no frequency). This variant has not been reported in the literature in individuals affected with FBN2-related conditions. ClinVar contains an entry for this variant (Variation ID: 848291). Advanced modeling of protein sequence and biophysical properties (such as structural, functional, and spatial information, amino acid conservation, physicochemical variation, residue mobility, and thermodynamic stability) performed at Invitae indicates that this missense variant is expected to disrupt FBN2 protein function. In summary, the available evidence is currently insufficient to determine the role of this variant in disease. Therefore, it has been classified as a Variant of Uncertain Significance.